The following is an entry in ClinVar:

NM_001005242.3(PKP2):c.1379-2060C>G

Gene: PKP2 (plakophilin 2; minus strand). Cytogenetic location: 12p11.21.
Variant type: single nucleotide variant.
Coding change: c.1379-2060C>G on transcript NM_001005242.3 (MANE Select); 2060 bases into the intron before coding-DNA position 1379, C replaced by G.
Molecular consequence: intron variant. On other transcripts: missense variant (1).
Genome position (GRCh38, 1-based): chr12:32,843,265, G>C on the plus strand (C>G on the coding strand, the complement: PKP2 is on the minus strand). VCF-style: chr12-32843265-G-C. GRCh37 (hg19) VCF-style: chr12-32996199-G-C.
Other names: c.1427C>G, p.Ala476Gly (NM_004572.4); short protein forms A476G.
Identifiers: ClinVar variation 578143 (VCV000578143.5), dbSNP rs1565587911, ClinGen allele CA384368710.

ClinVar aggregate classification (germline): Uncertain significance (1 of 4 stars; one submission).

Conditions:
Arrhythmogenic right ventricular dysplasia 9 (ARVD9). Also called: Arrhythmogenic Right Ventricular Dysplasia/Cardiomyopathy 9; ARRHYTHMOGENIC RIGHT VENTRICULAR DYSPLASIA, FAMILIAL, 9. Identifiers: MedGen C1836906, MONDO:0012180, OMIM 609040.

Submission:

Labcorp Genetics (formerly Invitae), Labcorp
Classification: Uncertain significance for Arrhythmogenic right ventricular dysplasia 9. Last evaluated: 2025-07-23. Review status: criteria provided, single submitter. Criteria: Invitae Variant Classification Sherloc (09022015). Collection method: clinical testing. Allele origin: germline.
Comment: This sequence change replaces alanine, which is neutral and non-polar, with glycine, which is neutral and non-polar, at codon 476 of the PKP2 protein (p.Ala476Gly). This variant is not present in population databases (gnomAD no frequency). This variant has not been reported in the literature in individuals affected with PKP2-related conditions. ClinVar contains an entry for this variant (Variation ID: 578143). An algorithm developed to predict the effect of missense changes on protein structure and function (PolyPhen-2) suggests that this variant is likely to be tolerated. In summary, the available evidence is currently insufficient to determine the role of this variant in disease. Therefore, it has been classified as a Variant of Uncertain Significance.